The following is an entry in ClinVar:

NM_001429.4(EP300):c.5454G>C (p.Leu1818=)

Gene: EP300 (EP300 lysine acetyltransferase; plus strand). Cytogenetic location: 22q13.2.
Variant type: single nucleotide variant.
Coding change: c.5454G>C on transcript NM_001429.4 (MANE Select); coding-DNA position 5454, G replaced by C.
Protein change: p.Leu1818=; no amino-acid change (leucine 1818 retained).
Molecular consequence: synonymous variant.
Genome position (GRCh38, 1-based): chr22:41,177,165, G>C. VCF-style: chr22-41177165-G-C. GRCh37 (hg19) VCF-style: chr22-41573169-G-C.
Other names: c.5376G>C, p.Leu1792= (NM_001362843.2).
Identifiers: ClinVar variation 717070 (VCV000717070.10), dbSNP rs148026063, ClinGen allele CA10253639.

ClinVar aggregate classification (germline): Likely benign. Review status: criteria provided, single submitter (1 of 4 stars). 2 submissions from 2 submitters: Likely benign (1). 1 of the submissions does not count toward it. Last evaluated 2025-09-20.

Conditions:
Rubinstein-Taybi syndrome due to EP300 haploinsufficiency. Also called: EP300-Related Rubinstein-Taybi Syndrome; RUBINSTEIN-TAYBI SYNDROME 2. Identifiers: Orphanet 353284, Orphanet 783, MedGen C3150941, MONDO:0013364, OMIM 613684.
EP300-related disorder. Also called: EP300-related condition; EP300-related disorders.

Allele frequency attached by ClinVar (database versions not stated): ExAC 0.00002; ESP Exome Variant Server 0.00008; gnomAD 0.00009 and 0.00010; TOPMed 0.00009; 1000 Genomes Project 30x 0.00016; 1000 Genomes Project 0.00020.
gnomAD v4.1: 25 of 1,614,110 alleles (0.0015%); highest among the groups gnomAD compares: African/African-American, 0.029%; no homozygotes.

Submissions (2):

Labcorp Genetics (formerly Invitae), Labcorp
Classification: Likely benign for Rubinstein-Taybi syndrome due to EP300 haploinsufficiency. Last evaluated: 2025-09-20. Review status: criteria provided, single submitter. Criteria: Invitae Variant Classification Sherloc (09022015). Collection method: clinical testing. Allele origin: germline.

PreventionGenetics, part of Exact Sciences
Classification: Likely benign for EP300-related condition. Last evaluated: 2022-06-03. Review status: no assertion criteria provided. Collection method: clinical testing. Allele origin: germline. Not counted in ClinVar's aggregate classification.
Comment: This variant is classified as likely benign based on ACMG/AMP sequence variant interpretation guidelines (Richards et al. 2015 PMID: 25741868, with internal and published modifications).